The following is an entry in ClinVar:

ClinVar aggregate classification (germline): Uncertain significance. Review status: criteria provided, multiple submitters, no conflicts (2 of 4 stars). 2 submissions from 2 submitters: Uncertain significance (2). Last evaluated 2025-05-19.

Conditions:
Charcot-Marie-Tooth disease type 2. Also called: Charcot-Marie-Tooth type 2. Identifiers: Orphanet 64746, MedGen C0270914, MONDO:0018993.

gnomAD v4.1: 2 of 1,614,110 alleles (0.00012%); highest among the groups gnomAD compares: Admixed American, 0.0017%; no homozygotes.

Submissions (2):

Ambry Genetics
Classification: Uncertain significance. Last evaluated: 2025-05-19. Review status: criteria provided, single submitter. Criteria: Ambry Variant Classification Scheme 2023. Collection method: clinical testing. Allele origin: germline.
Comment: The p.S1483W variant (also known as c.4448C>G), located in coding exon 40 of the KIF1B gene, results from a C to G substitution at nucleotide position 4448. The serine at codon 1483 is replaced by tryptophan, an amino acid with highly dissimilar properties. This amino acid position is conserved. In addition, the in silico prediction for this alteration is inconclusive. Since supporting evidence is limited at this time, the clinical significance of this alteration remains unclear.

Labcorp Genetics (formerly Invitae), Labcorp
Classification: Uncertain significance for Charcot-Marie-Tooth disease type 2. Last evaluated: 2022-03-23. Review status: criteria provided, single submitter. Criteria: Invitae Variant Classification Sherloc (09022015). Collection method: clinical testing. Allele origin: germline.
Comment: In summary, the available evidence is currently insufficient to determine the role of this variant in disease. Therefore, it has been classified as a Variant of Uncertain Significance. Algorithms developed to predict the effect of missense changes on protein structure and function are either unavailable or do not agree on the potential impact of this missense change (SIFT: "Deleterious"; PolyPhen-2: "Possibly Damaging"; Align-GVGD: "Class C0"). This variant has not been reported in the literature in individuals affected with KIF1B-related conditions. This variant is present in population databases (no rsID available, gnomAD 0.003%). This sequence change replaces serine, which is neutral and polar, with tryptophan, which is neutral and slightly polar, at codon 1483 of the KIF1B protein (p.Ser1483Trp).

NM_001365951.3(KIF1B):c.4586C>G (p.Ser1529Trp)

Gene: KIF1B (kinesin family member 1B; plus strand). Cytogenetic location: 1p36.22.
Variant type: single nucleotide variant.
Coding change: c.4586C>G on transcript NM_001365951.3 (MANE Select); coding-DNA position 4586, C replaced by G.
Protein change: p.Ser1529Trp; replaces serine 1529 with tryptophan.
Molecular consequence: missense variant.
Genome position (GRCh38, 1-based): chr1:10,365,482, C>G. VCF-style: chr1-10365482-C-G. GRCh37 (hg19) VCF-style: chr1-10425540-C-G.
Other names: c.4586C>G, p.Ser1529Trp (NM_001365952.1); c.4448C>G, p.Ser1483Trp (NM_015074.3); short protein forms S1529W, S1483W.
Identifiers: ClinVar variation 1740656 (VCV001740656.8), dbSNP rs781051649, ClinGen allele CA338321989.
Genomic context (GRCh38, chr1:10,365,482, plus strand): 5'-GCCACTTTTTGCTGCTGCGTGAGAGACTTGGTGACAGCATCCCCAAATCCCTGAGCGACT[C>G]GTTATCCCCCAGCCTCAGCAGTGGGACCCTCAGCACCTCCACCAGTATCTCCTCTCAGAT-3'
Protein context (NP_001352880.1, residues 1519-1539): GDSIPKSLSD[Ser1529Trp]LSPSLSSGTL